The following is an entry in ClinVar:

ClinVar aggregate classification (germline): Uncertain significance (1 of 4 stars; one submission).

Submission:

Labcorp Genetics (formerly Invitae), Labcorp
Classification: Uncertain significance. Last evaluated: 2022-10-25. Review status: criteria provided, single submitter. Criteria: Invitae Variant Classification Sherloc (09022015). Collection method: clinical testing. Allele origin: germline.
Comment: This variant, c.262_288del, results in the deletion of 9 amino acid(s) of the ARID1B protein (p.His88_His96del), but otherwise preserves the integrity of the reading frame. This variant is not present in population databases (gnomAD no frequency). This variant has not been reported in the literature in individuals affected with ARID1B-related conditions. Experimental studies and prediction algorithms are not available or were not evaluated, and the functional significance of this variant is currently unknown. In summary, the available evidence is currently insufficient to determine the role of this variant in disease. Therefore, it has been classified as a Variant of Uncertain Significance.

NM_001374828.1(ARID1B):c.511_537del (p.His171_His179del)

Genes: ARID1B (AT-rich interaction domain 1B; plus strand), LOC115308161 (uncharacterized LOC115308161; minus strand). Cytogenetic location: 6q25.3.
Variant type: Deletion.
Coding change: c.511_537del on transcript NM_001374828.1 (MANE Select); coding-DNA positions 511 to 537, 27 bases deleted (CACCATGCCCACCACCACCACCACCAT).
Protein change: p.His171_His179del.
Molecular consequence: inframe deletion. On other transcripts: inframe indel (3).
Genome position (GRCh38, 1-based): chr6:156,778,191-156,778,217, CACCATGCCCACCACCACCACCACCAT deleted. VCF-style (leftmost placement, unchanged base first): chr6-156778190-CCACCATGCCCACCACCACCACCACCAT-C. GRCh37 (hg19) VCF-style: chr6-157099324-CCACCATGCCCACCACCACCACCACCAT-C.
Other names: c.262_288del27, p.His88_His96del (NM_001346813.1, NM_020732.3); c.511_537del, p.His171_His179del (NM_001371656.1, NM_001374820.1, NM_017519.3); c.88_114del27, p.His30_His38del (NM_175863.2).
Identifiers: ClinVar variation 2063866 (VCV002063866.4), dbSNP rs2546820241, ClinGen allele CA2580075249.